The following is an entry in ClinVar:

ClinVar aggregate classification (germline): Uncertain significance (1 of 4 stars; one submission).

Allele frequency attached by ClinVar (database versions not stated): TOPMed below 0.00001.

Submission:

Labcorp Genetics (formerly Invitae), Labcorp
Classification: Uncertain significance. Last evaluated: 2024-02-22. Review status: criteria provided, single submitter. Criteria: Invitae Variant Classification Sherloc (09022015). Collection method: clinical testing. Allele origin: germline.
Comment: This sequence change replaces arginine, which is basic and polar, with histidine, which is basic and polar, at codon 3407 of the ZNF469 protein (p.Arg3407His). The frequency data for this variant in the population databases is considered unreliable, as metrics indicate poor data quality at this position in the gnomAD database. This variant has not been reported in the literature in individuals affected with ZNF469-related conditions. An algorithm developed to predict the effect of missense changes on protein structure and function (PolyPhen-2) suggests that this variant is likely to be disruptive. In summary, the available evidence is currently insufficient to determine the role of this variant in disease. Therefore, it has been classified as a Variant of Uncertain Significance.

NM_001367624.2(ZNF469):c.10304G>A (p.Arg3435His)

Gene: ZNF469 (zinc finger protein 469; plus strand). Cytogenetic location: 16q24.2.
Variant type: single nucleotide variant.
Coding change: c.10304G>A on transcript NM_001367624.2 (MANE Select); coding-DNA position 10304, G replaced by A.
Protein change: p.Arg3435His; replaces arginine 3435 with histidine.
Molecular consequence: missense variant.
Genome position (GRCh38, 1-based): chr16:88,437,774, G>A. VCF-style: chr16-88437774-G-A. GRCh37 (hg19) VCF-style: chr16-88504182-G-A.
Other names: short protein forms R3435H.
Identifiers: ClinVar variation 2871133 (VCV002871133.3), dbSNP rs1183768354, ClinGen allele CA397126496.
Genomic context (GRCh38, chr16:88,437,774, plus strand): 5'-AGAAGTCCTTCGCCTGCAGCTCCTGCAACTACACCTTCGCCAAGAAGGAGCAGTTCGACC[G>A]CCACATGAACAAGCACCTCAGGGGGGGGCGGCAGCCCTTCGCGTTCCGCGGCGTGCGGAG-3'
Protein context (NP_001354553.1, residues 3425-3445): YTFAKKEQFD[Arg3435His]HMNKHLRGGR